The following is an entry in ClinVar:

ClinVar aggregate classification (germline): Uncertain significance. Review status: criteria provided, multiple submitters, no conflicts (2 of 4 stars). 2 submissions from 2 submitters: Uncertain significance (2). Last evaluated 2024-09-23.

Conditions:
Wilson disease (WND). Also called: Wilson's disease. Identifiers: Orphanet 905, MedGen C0019202, MONDO:0010200, OMIM 277900. Disease mechanism: loss of function.

gnomAD v4.1: 3 of 1,613,032 alleles (0.00019%); highest among the groups gnomAD compares: Non-Finnish European, 0.00017%; no homozygotes.

Submissions (2):

All of Us Research Program, National Institutes of Health
Classification: Uncertain significance for Wilson disease. Last evaluated: 2024-09-23. Review status: criteria provided, single submitter. Criteria: ACMG Guidelines, 2015. Collection method: clinical testing. Allele origin: germline. Inheritance: Autosomal recessive inheritance. Observed: 3 variant alleles, 3 heterozygotes.
Comment: This variant causes a G to C nucleotide substitution at the +5 position of intron 19 of the ATP7B gene. Splice site prediction tools predict that this variant may have a significant impact on RNA splicing. To our knowledge, functional studies have not been reported for this variant. This variant has not been reported in individuals affected with Wilson disease in the literature. This variant has not been identified in the general population by the Genome Aggregation Database (gnomAD). The available evidence is insufficient to determine the role of this variant in disease conclusively. Therefore, this variant is classified as a Variant of Uncertain Significance.

This study involves interpretation of variants in research participants for the purpose of population health screening. Participant phenotype was not available at the time of variant classification. Additional details can be found in publication PMID: 35346344, PMCID: PMC8962531

Labcorp Genetics (formerly Invitae), Labcorp
Classification: Uncertain significance for Wilson disease. Last evaluated: 2022-02-10. Review status: criteria provided, single submitter. Criteria: Invitae Variant Classification Sherloc (09022015). Collection method: clinical testing. Allele origin: germline.
Comment: This sequence change falls in intron 19 of the ATP7B gene. It does not directly change the encoded amino acid sequence of the ATP7B protein. It affects a nucleotide within the consensus splice site. This variant is not present in population databases (gnomAD no frequency). This variant has not been reported in the literature in individuals affected with ATP7B-related conditions. Variants that disrupt the consensus splice site are a relatively common cause of aberrant splicing (PMID: 17576681, 9536098). Algorithms developed to predict the effect of sequence changes on RNA splicing suggest that this variant may disrupt the consensus splice site. In summary, the available evidence is currently insufficient to determine the role of this variant in disease. Therefore, it has been classified as a Variant of Uncertain Significance.

Literature cited by the submitters: PubMed 17576681 (cited by Labcorp Genetics (formerly Invitae), Labcorp); PubMed 9536098 (cited by Labcorp Genetics (formerly Invitae), Labcorp).

NM_000053.4(ATP7B):c.4021+5G>C

Gene: ATP7B (ATPase copper transporting beta; minus strand). Cytogenetic location: 13q14.3.
Variant type: single nucleotide variant.
Coding change: c.4021+5G>C on transcript NM_000053.4 (MANE Select); 5 bases into the intron after coding-DNA position 4021, G replaced by C.
Molecular consequence: intron variant.
Genome position (GRCh38, 1-based): chr13:51,937,271, C>G on the plus strand (G>C on the coding strand, the complement: ATP7B is on the minus strand). VCF-style: chr13-51937271-C-G. GRCh37 (hg19) VCF-style: chr13-52511407-C-G.
Other names: c.3688+5G>C (NM_001243182.2); c.3400+5G>C (NM_001005918.3); c.3769+5G>C (NM_001330579.2); c.3787+5G>C (NM_001330578.2).
Identifiers: ClinVar variation 2157546 (VCV002157546.3), dbSNP rs766396641, ClinGen allele CA250073302.